The following is an entry in ClinVar:

ClinVar aggregate classification (germline): Uncertain significance (1 of 4 stars; one submission).

Conditions:
Fanconi anemia (FA). Also called: Fanconi's anemia. Identifiers: Orphanet 84, MedGen C0015625, MeSH D005199, MONDO:0019391.

Allele frequency attached by ClinVar (database versions not stated): gnomAD exomes below 0.00001; gnomAD 0.00001; TOPMed 0.00001.
gnomAD v4.1: 4 of 1,613,790 alleles (0.00025%); highest among the groups gnomAD compares: East Asian, 0.0022%; no homozygotes.

Submission:

Labcorp Genetics (formerly Invitae), Labcorp
Classification: Uncertain significance for Fanconi anemia. Last evaluated: 2021-08-31. Review status: criteria provided, single submitter. Criteria: Invitae Variant Classification Sherloc (09022015). Collection method: clinical testing. Allele origin: germline.
Comment: This sequence change replaces serine with leucine at codon 271 of the FANCD2 protein (p.Ser271Leu). The serine residue is weakly conserved and there is a large physicochemical difference between serine and leucine. This variant is not present in population databases (ExAC no frequency). This variant has not been reported in the literature in individuals affected with FANCD2-related conditions. Algorithms developed to predict the effect of missense changes on protein structure and function output the following: SIFT: "Tolerated"; PolyPhen-2: "Benign"; Align-GVGD: "Class C0". The leucine amino acid residue is found in multiple mammalian species, which suggests that this missense change does not adversely affect protein function. In summary, the available evidence is currently insufficient to determine the role of this variant in disease. Therefore, it has been classified as a Variant of Uncertain Significance.

NM_001018115.3(FANCD2):c.812C>T (p.Ser271Leu)

Genes: FANCD2 (FA complementation group D2; plus strand), LOC107303338 (3p25 FANCD2 Alu-mediated recombination region; plus strand). Cytogenetic location: 3p25.3.
Variant type: single nucleotide variant.
Coding change: c.812C>T on transcript NM_001018115.3 (MANE Select); coding-DNA position 812, C replaced by T.
Protein change: p.Ser271Leu; replaces serine 271 with leucine.
Molecular consequence: missense variant.
Genome position (GRCh38, 1-based): chr3:10,042,587, C>T. VCF-style: chr3-10042587-C-T. GRCh37 (hg19) VCF-style: chr3-10084271-C-T.
Other names: c.812C>T, p.Ser271Leu (NM_001319984.2, NM_001374253.1, NM_001374254.1 and 1 more transcripts); short protein forms S271L.
Identifiers: ClinVar variation 967789 (VCV000967789.7), dbSNP rs766821340, ClinGen allele CA70026669.